The following is an entry in ClinVar:

NM_133433.4(NIPBL):c.2374C>T (p.Arg792Trp)

Gene: NIPBL (NIPBL cohesin loading factor; plus strand). Cytogenetic location: 5p13.2.
Variant type: single nucleotide variant.
Coding change: c.2374C>T on transcript NM_133433.4 (MANE Select); coding-DNA position 2374, C replaced by T.
Protein change: p.Arg792Trp; replaces arginine 792 with tryptophan.
Molecular consequence: missense variant.
Genome position (GRCh38, 1-based): chr5:36,985,554, C>T. VCF-style: chr5-36985554-C-T. GRCh37 (hg19) VCF-style: chr5-36985656-C-T.
Other names: c.2374C>T, p.Arg792Trp (NM_015384.5); short protein forms R792W.
Identifiers: ClinVar variation 2044906 (VCV002044906.4), dbSNP rs766108812, ClinGen allele CA3236159.

ClinVar aggregate classification (germline): Uncertain significance. Review status: criteria provided, multiple submitters, no conflicts (2 of 4 stars). 2 submissions from 2 submitters: Uncertain significance (2). Last evaluated 2024-05-07.

Conditions:
Cornelia de Lange syndrome 1 (CDLS1). Also called: NIPBL-Related Cornelia de Lange Syndrome; Brachmann de Lange syndrome; TYPUS DEGENERATIVUS AMSTELODAMENSIS. Identifiers: Orphanet 199, MedGen C4551851, MONDO:0007387, OMIM 122470.

Allele frequency attached by ClinVar (database versions not stated): ExAC 0.00001; gnomAD exomes 0.00001; gnomAD 0.00003; TOPMed 0.00004.
gnomAD v4.1: 15 of 1,613,700 alleles (0.00093%); highest among the groups gnomAD compares: South Asian, 0.0055%; no homozygotes.

Submissions (2):

Fulgent Genetics
Classification: Uncertain significance for Cornelia de Lange syndrome 1. Last evaluated: 2024-05-07. Review status: criteria provided, single submitter. Criteria: ACMG Guidelines, 2015. Collection method: clinical testing. Allele origin: germline.

Labcorp Genetics (formerly Invitae), Labcorp
Classification: Uncertain significance for Cornelia de Lange syndrome 1. Last evaluated: 2022-08-20. Review status: criteria provided, single submitter. Criteria: Invitae Variant Classification Sherloc (09022015). Collection method: clinical testing. Allele origin: germline.
Comment: In summary, the available evidence is currently insufficient to determine the role of this variant in disease. Therefore, it has been classified as a Variant of Uncertain Significance. Advanced modeling of protein sequence and biophysical properties (such as structural, functional, and spatial information, amino acid conservation, physicochemical variation, residue mobility, and thermodynamic stability) performed at Invitae indicates that this missense variant is expected to disrupt NIPBL protein function. This variant has not been reported in the literature in individuals affected with NIPBL-related conditions. This variant is present in population databases (rs766108812, gnomAD 0.007%). This sequence change replaces arginine, which is basic and polar, with tryptophan, which is neutral and slightly polar, at codon 792 of the NIPBL protein (p.Arg792Trp).